The following is an entry in ClinVar:

NM_000142.5(FGFR3):c.1351C>A (p.Leu451Met)

Gene: FGFR3 (fibroblast growth factor receptor 3; plus strand). Cytogenetic location: 4p16.3.
Variant type: single nucleotide variant.
Coding change: c.1351C>A on transcript NM_000142.5 (MANE Select); coding-DNA position 1351, C replaced by A.
Protein change: p.Leu451Met; replaces leucine 451 with methionine.
Molecular consequence: missense variant. On other transcripts: non-coding transcript variant (1).
Genome position (GRCh38, 1-based): chr4:1,804,908, C>A. VCF-style: chr4-1804908-C-A. GRCh37 (hg19) VCF-style: chr4-1806635-C-A.
Other names: c.1357C>A, p.Leu453Met (NM_001163213.2); c.1354C>A, p.Leu452Met (NM_001354809.2, NM_001354810.2); c.1015C>A, p.Leu339Met (NM_022965.4); c.1351C>A (NM_000142.4); short protein forms L339M, L451M, L452M, L453M.
Identifiers: ClinVar variation 1680072 (VCV001680072.9), dbSNP rs547391969, ClinGen allele CA91254571.

ClinVar aggregate classification (germline): Conflicting classifications of pathogenicity. Review status: criteria provided, conflicting classifications (1 of 4 stars). 4 submissions from 4 submitters: Uncertain significance (3); Likely benign (1). Last evaluated 2026-01-07.

Conditions:
FGFR3-related disorder. Also called: FGFR3-related disorders.
Inborn genetic diseases. Identifiers: MedGen C0950123, MeSH D030342.

Allele frequency attached by ClinVar (database versions not stated): gnomAD exomes below 0.00001; gnomAD 0.00002 and 0.00003; TOPMed 0.00003; 1000 Genomes Project 30x 0.00016; 1000 Genomes Project 0.00020.
gnomAD v4.1: 7 of 1,549,956 alleles (0.00045%); highest among the groups gnomAD compares: African/African-American, 0.0068%; no homozygotes.

Submissions (4):

PreventionGenetics, part of Exact Sciences
Classification: Uncertain significance for FGFR3-related condition. Last evaluated: 2026-01-07. Review status: criteria provided, single submitter. Criteria: ACMG Guidelines, 2015. Collection method: clinical testing. Allele origin: germline.
Comment: The FGFR3 c.1351C>A variant is predicted to result in the amino acid substitution p.Leu451Met. To our knowledge, this variant has not been reported in the literature. This variant is absent in a large population database (gnomAD), indicating this variant is rare. At this time, the clinical significance of this variant is uncertain due to the absence of conclusive functional and genetic evidence.

Ambry Genetics
Classification: Uncertain significance for Inborn genetic diseases. Last evaluated: 2025-08-11. Review status: criteria provided, single submitter. Criteria: Ambry Variant Classification Scheme 2023. Collection method: clinical testing. Allele origin: germline.

Labcorp Genetics (formerly Invitae), Labcorp
Classification: Uncertain significance. Last evaluated: 2024-02-24. Review status: criteria provided, single submitter. Criteria: Invitae Variant Classification Sherloc (09022015). Collection method: clinical testing. Allele origin: germline.
Comment: This sequence change replaces leucine, which is neutral and non-polar, with methionine, which is neutral and non-polar, at codon 451 of the FGFR3 protein (p.Leu451Met). This variant is not present in population databases (gnomAD no frequency). This variant has not been reported in the literature in individuals affected with FGFR3-related conditions. ClinVar contains an entry for this variant (Variation ID: 1680072). Advanced modeling of protein sequence and biophysical properties (such as structural, functional, and spatial information, amino acid conservation, physicochemical variation, residue mobility, and thermodynamic stability) has been performed at Invitae for this missense variant, however the output from this modeling did not meet the statistical confidence thresholds required to predict the impact of this variant on FGFR3 protein function. In summary, the available evidence is currently insufficient to determine the role of this variant in disease. Therefore, it has been classified as a Variant of Uncertain Significance.

Blueprint Genetics
Classification: Likely benign. Last evaluated: 2022-12-29. Review status: criteria provided, single submitter. Criteria: ACMG Guidelines, 2015. Collection method: clinical testing. Allele origin: germline.